The following is an entry in ClinVar:

ClinVar aggregate classification (germline): Uncertain significance (1 of 4 stars; one submission).

Submission:

GeneDx
Classification: Uncertain significance. Last evaluated: 2022-07-15. Review status: criteria provided, single submitter. Criteria: GeneDx Variant Classification Process June 2021. Collection method: clinical testing. Allele origin: germline. Affected: yes.
Comment: Not observed at significant frequency in large population cohorts (gnomAD); In silico analysis supports that this missense variant does not alter protein structure/function; Has not been previously published as pathogenic or benign to our knowledge

NM_058004.4(PI4KA):c.818C>G (p.Pro273Arg)

Gene: PI4KA (phosphatidylinositol 4-kinase alpha; minus strand). Cytogenetic location: 22q11.21.
Variant type: single nucleotide variant.
Coding change: c.818C>G on transcript NM_058004.4 (MANE Select); coding-DNA position 818, C replaced by G.
Protein change: p.Pro273Arg; replaces proline 273 with arginine.
Molecular consequence: missense variant.
Genome position (GRCh38, 1-based): chr22:20,818,521, G>C on the plus strand (C>G on the coding strand, the complement: PI4KA is on the minus strand). VCF-style: chr22-20818521-G-C. GRCh37 (hg19) VCF-style: chr22-21172809-G-C.
Other names: c.818C>G, p.Pro273Arg (NM_001362862.2, NM_001362863.2); short protein forms P273R.
Identifiers: ClinVar variation 1878846 (VCV001878846.1), dbSNP rs1013688867, ClinGen allele CA410764082.